The following is an entry in ClinVar:

NM_000478.6(ALPL):c.306C>A (p.Asn102Lys)

Gene: ALPL (alkaline phosphatase, biomineralization associated; plus strand). Cytogenetic location: 1p36.12.
Variant type: single nucleotide variant.
Coding change: c.306C>A on transcript NM_000478.6 (MANE Select); coding-DNA position 306, C replaced by A.
Protein change: p.Asn102Lys; replaces asparagine 102 with lysine.
Molecular consequence: missense variant.
Genome position (GRCh38, 1-based): chr1:21,563,118, C>A. VCF-style: chr1-21563118-C-A. GRCh37 (hg19) VCF-style: chr1-21889611-C-A.
Other names: c.141C>A, p.Asn47Lys (NM_001127501.4); c.75C>A, p.Asn25Lys (NM_001177520.3); c.306C>A, p.Asn102Lys (NM_001369803.2, NM_001369804.2, NM_001369805.2); short protein forms N102K, N25K, N47K.
Identifiers: ClinVar variation 3897563 (VCV003897563.3).
Genomic context (GRCh38, chr1:21,563,118, plus strand): 5'-GCCACTGGGGCGAAGGCCTGGCCATCTCCTGACCCTCCTCTCCCACCTGCAGACGTACAA[C>A]ACCAATGCCCAGGTCCCTGACAGTGCCGGCACCGCCACCGCCTACCTGTGTGGGGTGAAG-3'
Protein context (NP_000469.3, residues 92-112): FPFVALSKTY[Asn102Lys]TNAQVPDSAG

ClinVar aggregate classification (germline): Likely pathogenic (1 of 4 stars; one submission).

Conditions:
Hypophosphatasia. Also called: Phosphoethanol-aminuria. Identifiers: Orphanet 436, MedGen C0020630, MeSH D007014, MONDO:0018570.

Submission:

JKU Lab, Dept of Paediatrics, Johannes Kepler University
Classification: Likely pathogenic for Hypophosphatasia. Last evaluated: 2025-06-26. Review status: criteria provided, single submitter. Criteria: ACMG Guidelines, 2015. Collection method: curation, in vitro. Allele origin: germline, not applicable. Affected: yes. Functional consequence: decreased enzyme activity.
Comment: This missense variant is not present in GnomAD 4.1 and affects a highly conserved amino acid, not in the active site domain. The variant is predicted to affect protein function (REVEL score: 0.833). Splice-prediction algorithms predict no effect on splicing. In vitro functional studies showed reduced ALP activity, with a dominant negative effect. This variant has not been reported in the literature in individuals affected with ALPL-related conditions. The results of the functional testing and the applied ACMG criteria can be viewed at an online resource